The following is an entry in ClinVar:

NM_001004464.2(OR10G8):c.195G>C (p.Ser65=)

Gene: OR10G8 (olfactory receptor family 10 subfamily G member 8; plus strand). Cytogenetic location: 11q24.2.
Variant type: single nucleotide variant.
Coding change: c.195G>C on transcript NM_001004464.2 (MANE Select); coding-DNA position 195, G replaced by C.
Protein change: p.Ser65=; no amino-acid change (serine 65 retained).
Molecular consequence: synonymous variant.
Genome position (GRCh38, 1-based): chr11:124,029,817, G>C. VCF-style: chr11-124029817-G-C. GRCh37 (hg19) VCF-style: chr11-123900524-G-C.
Identifiers: ClinVar variation 2642490 (VCV002642490.24), dbSNP rs140497683, ClinGen allele CA6336808.

ClinVar aggregate classification (germline): Likely benign (1 of 4 stars; one submission).

Allele frequency attached by ClinVar (database versions not stated): 1000 Genomes Project 30x 0.00062; 1000 Genomes Project 0.00080.

Submission:

CeGaT Center for Human Genetics Tuebingen
Classification: Likely benign. Last evaluated: 2025-01-01. Review status: criteria provided, single submitter. Criteria: CeGaT Center For Human Genetics Tuebingen Variant Classification Criteria Version 2. Collection method: clinical testing. Allele origin: germline. Affected: yes. Observed: 2 variant alleles.
Comment: OR10G8: BP4, BP7